The following is an entry in ClinVar:

ClinVar aggregate classification (germline): Likely benign. Review status: criteria provided, multiple submitters, no conflicts (2 of 4 stars). 2 submissions from 2 submitters: Likely benign (2). Last evaluated 2025-03-25.

Conditions:
Spastic paraplegia. Identifiers: MedGen C0037772, HP:0001258.

Allele frequency attached by ClinVar (database versions not stated): gnomAD exomes 0.00001; TOPMed 0.00002.
gnomAD v4.1: 27 of 1,614,116 alleles (0.0017%); highest among the groups gnomAD compares: Non-Finnish European, 0.0023%; no homozygotes.

Submissions (2):

Labcorp Genetics (formerly Invitae), Labcorp
Classification: Likely benign for Spastic paraplegia. Last evaluated: 2025-03-25. Review status: criteria provided, single submitter. Criteria: Invitae Variant Classification Sherloc (09022015). Collection method: clinical testing. Allele origin: germline.

CeGaT Center for Human Genetics Tuebingen
Classification: Likely benign. Last evaluated: 2022-06-01. Review status: criteria provided, single submitter. Criteria: CeGaT Center For Human Genetics Tuebingen Variant Classification Criteria Version 2. Collection method: clinical testing. Allele origin: germline. Affected: yes. Observed: 1 variant allele.
Comment: SACS: BP4, BP7

NM_014363.6(SACS):c.1566T>A (p.Ser522=)

Gene: SACS (sacsin molecular chaperone; minus strand). Cytogenetic location: 13q12.12.
Variant type: single nucleotide variant.
Coding change: c.1566T>A on transcript NM_014363.6 (MANE Select); coding-DNA position 1566, T replaced by A.
Protein change: p.Ser522=; no amino-acid change (serine 522 retained).
Molecular consequence: synonymous variant.
Genome position (GRCh38, 1-based): chr13:23,355,046, A>T on the plus strand (T>A on the coding strand, the complement: SACS is on the minus strand). VCF-style: chr13-23355046-A-T. GRCh37 (hg19) VCF-style: chr13-23929185-A-T.
Other names: c.1125T>A, p.Ser375= (NM_001278055.2).
Identifiers: ClinVar variation 700966 (VCV000700966.34), dbSNP rs1203606581, ClinGen allele CA483164093.